The following is an entry in ClinVar:

ClinVar aggregate classification (germline): Uncertain significance (1 of 4 stars; one submission).

Submission:

Labcorp Genetics (formerly Invitae), Labcorp
Classification: Uncertain significance. Last evaluated: 2024-02-23. Review status: criteria provided, single submitter. Criteria: Invitae Variant Classification Sherloc (09022015). Collection method: clinical testing. Allele origin: germline.
Comment: This sequence change creates a premature translational stop signal (p.Glu202*) in the SIX5 gene. It is expected to result in an absent or disrupted protein product. However, the current clinical and genetic evidence is not sufficient to establish whether loss-of-function variants in SIX5 cause disease. This variant is not present in population databases (gnomAD no frequency). This variant has not been reported in the literature in individuals affected with SIX5-related conditions. In summary, the available evidence is currently insufficient to determine the role of this variant in disease. Therefore, it has been classified as a Variant of Uncertain Significance.

NM_175875.5(SIX5):c.604G>T (p.Glu202Ter)

Genes: DM1-AS (DM1 locus antisense RNA; plus strand), SIX5 (SIX homeobox 5; minus strand), LOC107075317 (origin of replication in DMPK trinucleotide repeat region; plus strand). Cytogenetic location: 19q13.32.
Variant type: single nucleotide variant.
Coding change: c.604G>T on transcript NM_175875.5 (MANE Select); coding-DNA position 604, G replaced by T.
Protein change: p.Glu202Ter; replaces glutamic acid 202 with a stop codon.
Molecular consequence: nonsense.
Genome position (GRCh38, 1-based): chr19:45,768,241, C>A on the plus strand (G>T on the coding strand, the complement: SIX5 is on the minus strand). VCF-style: chr19-45768241-C-A. GRCh37 (hg19) VCF-style: chr19-46271499-C-A.
Other names: short protein forms E202*.
Identifiers: ClinVar variation 2829930 (VCV002829930.3), dbSNP rs2513604196, ClinGen allele CA406423278.